The following is an entry in ClinVar:

ClinVar aggregate classification (germline): Uncertain significance (1 of 4 stars; one submission).

Conditions:
Developmental and epileptic encephalopathy, 12 (DEE12). Identifiers: MedGen C3150988, MONDO:0013389, OMIM 613722.

Submission:

Labcorp Genetics (formerly Invitae), Labcorp
Classification: Uncertain significance for Developmental and epileptic encephalopathy, 12. Last evaluated: 2022-02-28. Review status: criteria provided, single submitter. Criteria: Invitae Variant Classification Sherloc (09022015). Collection method: clinical testing. Allele origin: germline.
Comment: This variant has not been reported in the literature in individuals affected with PLCB1-related conditions. In summary, the available evidence is currently insufficient to determine the role of this variant in disease. Therefore, it has been classified as a Variant of Uncertain Significance. Algorithms developed to predict the effect of missense changes on protein structure and function (SIFT, PolyPhen-2, Align-GVGD) all suggest that this variant is likely to be tolerated. This variant is not present in population databases (gnomAD no frequency). This sequence change replaces histidine, which is basic and polar, with glutamine, which is neutral and polar, at codon 948 of the PLCB1 protein (p.His948Gln).

NM_015192.4(PLCB1):c.2844C>A (p.His948Gln)

Gene: PLCB1 (phospholipase C beta 1; plus strand). Cytogenetic location: 20p12.3.
Variant type: single nucleotide variant.
Coding change: c.2844C>A on transcript NM_015192.4 (MANE Select); coding-DNA position 2844, C replaced by A.
Protein change: p.His948Gln; replaces histidine 948 with glutamine.
Molecular consequence: missense variant.
Genome position (GRCh38, 1-based): chr20:8,765,272, C>A. VCF-style: chr20-8765272-C-A. GRCh37 (hg19) VCF-style: chr20-8745919-C-A.
Other names: c.2844C>A, p.His948Gln (NM_182734.3); short protein forms H948Q.
Identifiers: ClinVar variation 2200408 (VCV002200408.4), dbSNP rs2515336176, ClinGen allele CA408208784.